The following is an entry in ClinVar:

ClinVar aggregate classification (germline): Uncertain significance. Review status: criteria provided, multiple submitters, no conflicts (2 of 4 stars). 2 submissions from 2 submitters: Uncertain significance (2). Last evaluated 2026-01-26.

Conditions:
Inborn genetic diseases. Identifiers: MedGen C0950123, MeSH D030342.

Allele frequency attached by ClinVar (database versions not stated): ExAC 0.00001; TOPMed 0.00002; gnomAD 0.00002.
gnomAD v4.1: 20 of 1,613,890 alleles (0.0012%); highest among the groups gnomAD compares: Non-Finnish European, 0.0016%; no homozygotes.

Submissions (2):

Labcorp Genetics (formerly Invitae), Labcorp
Classification: Uncertain significance. Last evaluated: 2026-01-26. Review status: criteria provided, single submitter. Criteria: Invitae Variant Classification Sherloc (09022015). Collection method: clinical testing. Allele origin: germline.
Comment: This sequence change replaces glutamine, which is neutral and polar, with arginine, which is basic and polar, at codon 545 of the DCHS1 protein (p.Gln545Arg). This variant is present in population databases (rs746178274, gnomAD 0.0009%). This variant has not been reported in the literature in individuals affected with DCHS1-related conditions. ClinVar contains an entry for this variant (Variation ID: 1965709). Invitae Evidence Modeling of protein sequence and biophysical properties (such as structural, functional, and spatial information, amino acid conservation, physicochemical variation, residue mobility, and thermodynamic stability) indicates that this missense variant is not expected to disrupt DCHS1 protein function with a negative predictive value of 80%. In summary, the available evidence is currently insufficient to determine the role of this variant in disease. Therefore, it has been classified as a Variant of Uncertain Significance.

Ambry Genetics
Classification: Uncertain significance for Inborn genetic diseases. Last evaluated: 2025-05-01. Review status: criteria provided, single submitter. Criteria: Ambry Variant Classification Scheme 2023. Collection method: clinical testing. Allele origin: germline.

NM_003737.4(DCHS1):c.1634A>G (p.Gln545Arg)

Gene: DCHS1 (dachsous cadherin-related 1; minus strand). Cytogenetic location: 11p15.4.
Variant type: single nucleotide variant.
Coding change: c.1634A>G on transcript NM_003737.4 (MANE Select); coding-DNA position 1634, A replaced by G.
Protein change: p.Gln545Arg; replaces glutamine 545 with arginine.
Molecular consequence: missense variant.
Genome position (GRCh38, 1-based): chr11:6,639,980, T>C on the plus strand (A>G on the coding strand, the complement: DCHS1 is on the minus strand). VCF-style: chr11-6639980-T-C. GRCh37 (hg19) VCF-style: chr11-6661211-T-C.
Other names: c.1634A>G (NM_003737.2); short protein forms Q545R.
Identifiers: ClinVar variation 1965709 (VCV001965709.6), dbSNP rs746178274, ClinGen allele CA5860925.